The following is an entry in ClinVar:

NM_001042492.3(NF1):c.4430G>C (p.Arg1477Thr)

Gene: NF1 (neurofibromin 1; plus strand). Cytogenetic location: 17q11.2.
Variant type: single nucleotide variant.
Coding change: c.4430G>C on transcript NM_001042492.3 (MANE Select); coding-DNA position 4430, G replaced by C.
Protein change: p.Arg1477Thr; replaces arginine 1477 with threonine.
Molecular consequence: missense variant.
Genome position (GRCh38, 1-based): chr17:31,259,129, G>C. VCF-style: chr17-31259129-G-C. GRCh37 (hg19) VCF-style: chr17-29586147-G-C.
Other names: c.4367G>C, p.Arg1456Thr (NM_000267.4); short protein forms R1477T, R1456T.
Identifiers: ClinVar variation 404486 (VCV000404486.10), dbSNP rs1060500293, ClinGen allele CA16615218.

ClinVar aggregate classification (germline): Uncertain significance. Review status: criteria provided, multiple submitters, no conflicts (2 of 4 stars). 4 submissions from 4 submitters: Uncertain significance (4). Last evaluated 2022-12-19.

Conditions:
Neurofibromatosis, type 1 (NF1). Also called: Neurofibromatosis, type I; NEUROFIBROMATOSIS, TYPE I, SOMATIC; Peripheral type neurofibromatosis; VON RECKLINGHAUSEN DISEASE. Identifiers: Orphanet 636, MedGen C0027831, MONDO:0018975, OMIM 162200. Disease mechanism: loss of function.

Submissions (4):

Athena Diagnostics
Classification: Uncertain significance. Last evaluated: 2022-12-19. Review status: criteria provided, single submitter. Criteria: Athena Diagnostics Criteria. Collection method: clinical testing. Allele origin: unknown.
Comment: Available data are insufficient to determine the clinical significance of the variant at this time. This variant has been identified in at least one individual with clinical features associated with autosomal dominant neurofibromatosis type 1 (NF1). This variant has not been reported in large, multi-ethnic general populations. Computational tools yielded predictions that this variant may interfere with normal RNA splicing.

Genome-Nilou Lab
Classification: Uncertain significance for Neurofibromatosis, type 1. Last evaluated: 2022-03-15. Review status: criteria provided, single submitter. Criteria: ACMG Guidelines, 2015. Collection method: clinical testing. Allele origin: germline. Affected: no.

Genome Diagnostics Laboratory, The Hospital for Sick Children
Classification: Uncertain significance for Neurofibromatosis, type 1. Last evaluated: 2020-10-26. Review status: criteria provided, single submitter. Criteria: ACMG Guidelines, 2015. Collection method: clinical testing. Allele origin: germline. Affected: yes.

Labcorp Genetics (formerly Invitae), Labcorp
Classification: Uncertain significance for Neurofibromatosis, type 1. Last evaluated: 2016-09-15. Review status: criteria provided, single submitter. Criteria: Invitae Variant Classification Sherloc (09022015). Collection method: clinical testing. Allele origin: germline.
Comment: In summary, this variant is a rare missense change with uncertain impact on protein function and mRNA splicing. While it is absent from the population and reported in affected individuals, the available evidence is currently insufficient to determine its role in disease. Therefore, it has been classified as a Variant of Uncertain Significance. Algorithms developed to predict the effect of missense changes on protein structure and function do not agree on the potential impact of this missense change (SIFT: "Tolerated"; PolyPhen-2: "Probably Damaging"; Align-GVGD: "Class C0"). Nucleotide substitutions within the consensus splice site are relatively common causes of aberrant splicing (PMID: 17576681, 9536098). Algorithms developed to predict the effect of nucleotide changes on RNA splicing suggest that this variant may alter RNA splicing, but this prediction has not been confirmed by published transcriptional studies. This variant has been reported in individuals referred for NF1 testing (PMID: 23656349). This variant is not present in population databases (ExAC no frequency). This sequence change replaces arginine with threonine at codon 1456 of the NF1 protein (p.Arg1456Thr). The arginine residue is moderately conserved and there is a moderate physicochemical difference between arginine and threonine. It also falls at the last nucleotide of exon 32 of the NF1 coding sequence.

Literature cited by the submitters: PubMed 29673180 (cited by Athena Diagnostics); PubMed 17576681 (cited by Labcorp Genetics (formerly Invitae), Labcorp); PubMed 9536098 (cited by Labcorp Genetics (formerly Invitae), Labcorp); PubMed 23656349 (cited by Labcorp Genetics (formerly Invitae), Labcorp).